The following is an entry in ClinVar:

NM_003079.5(SMARCE1):c.167G>T (p.Gly56Val)

Gene: SMARCE1 (SWI/SNF related BAF chromatin remodeling complex subunit E1; minus strand). Cytogenetic location: 17q21.2.
Variant type: single nucleotide variant.
Coding change: c.167G>T on transcript NM_003079.5 (MANE Select); coding-DNA position 167, G replaced by T.
Protein change: p.Gly56Val; replaces glycine 56 with valine.
Molecular consequence: missense variant.
Genome position (GRCh38, 1-based): chr17:40,637,562, C>A on the plus strand (G>T on the coding strand, the complement: SMARCE1 is on the minus strand). VCF-style: chr17-40637562-C-A. GRCh37 (hg19) VCF-style: chr17-38793814-C-A.
Other names: short protein forms G56V.
Identifiers: ClinVar variation 4864859 (VCV004864859.1).
Genomic context (GRCh38, chr17:40,637,562, plus strand): 5'-TACCTCATGTAGGGCATCAGCGGCTTATCTGGTGGCTTTGGGGGTTTTGGAATCGTGATA[C>A]CAGAGGATGCCTACGAAAGAGTTAAATACATTCATTATTCAACTGTAAGGAGTTCACTGG-3'
Protein context (NP_003070.3, residues 46-66): GTNSRVTASS[Gly56Val]ITIPKPPKPP

ClinVar aggregate classification (germline): Uncertain significance (1 of 4 stars; one submission).

Conditions:
Hereditary cancer-predisposing syndrome. Also called: Neoplastic Syndromes, Hereditary; Tumor predisposition; Hereditary Cancer Syndrome; Hereditary neoplastic syndrome. Identifiers: Orphanet 140162, MedGen C0027672, MeSH D009386, MONDO:0015356.

Submission:

Ambry Genetics
Classification: Uncertain significance for Hereditary cancer-predisposing syndrome. Last evaluated: 2026-03-26. Review status: criteria provided, single submitter. Criteria: Ambry Variant Classification Scheme 2023. Collection method: clinical testing. Allele origin: germline.
Comment: The p.G56V variant (also known as c.167G>T), located in coding exon 4 of the SMARCE1 gene, results from a G to T substitution at nucleotide position 167. The glycine at codon 56 is replaced by valine, an amino acid with dissimilar properties. This amino acid position is conserved. In addition, this alteration is predicted to be deleterious by in silico analysis. Based on the available evidence, the clinical significance of this variant remains unclear.